The following is an entry in ClinVar:

NM_000701.8(ATP1A1):c.1836+5T>G

Genes: ATP1A1-AS1 (ATP1A1 antisense RNA 1; minus strand), ATP1A1 (ATPase Na+/K+ transporting subunit alpha 1; plus strand). Cytogenetic location: 1p13.1.
Variant type: single nucleotide variant.
Coding change: c.1836+5T>G on transcript NM_000701.8 (MANE Select); 5 bases into the intron after coding-DNA position 1836, T replaced by G.
Molecular consequence: intron variant.
Genome position (GRCh38, 1-based): chr1:116,395,290, T>G. VCF-style: chr1-116395290-T-G. GRCh37 (hg19) VCF-style: chr1-116937912-T-G.
Other names: c.1836+5T>G (NM_001160233.2); c.1743+5T>G (NM_001160234.2).
Identifiers: ClinVar variation 2709351 (VCV002709351.3), dbSNP rs1173389911, ClinGen allele CA2647298606.

ClinVar aggregate classification (germline): Uncertain significance (1 of 4 stars; one submission).

Allele frequency attached by ClinVar (database versions not stated): gnomAD exomes below 0.00001.

Submission:

Labcorp Genetics (formerly Invitae), Labcorp
Classification: Uncertain significance. Last evaluated: 2024-01-14. Review status: criteria provided, single submitter. Criteria: Invitae Variant Classification Sherloc (09022015). Collection method: clinical testing. Allele origin: germline.
Comment: This sequence change falls in intron 13 of the ATP1A1 gene. It does not directly change the encoded amino acid sequence of the ATP1A1 protein. It affects a nucleotide within the consensus splice site. This variant is not present in population databases (gnomAD no frequency). This variant has not been reported in the literature in individuals affected with ATP1A1-related conditions. Variants that disrupt the consensus splice site are a relatively common cause of aberrant splicing (PMID: 17576681, 9536098). Algorithms developed to predict the effect of sequence changes on RNA splicing suggest that this variant is not likely to affect RNA splicing. In summary, the available evidence is currently insufficient to determine the role of this variant in disease. Therefore, it has been classified as a Variant of Uncertain Significance.

Literature cited by the submitters: PubMed 17576681; PubMed 9536098.